The following is an entry in ClinVar:

ClinVar aggregate classification (germline): Uncertain significance (1 of 4 stars; one submission).

gnomAD v4.1: 1 of 1,614,038 alleles (0.000062%); highest among the groups gnomAD compares: African/African-American, 0.0013%; no homozygotes.

Submission:

Labcorp Genetics (formerly Invitae), Labcorp
Classification: Uncertain significance. Last evaluated: 2026-01-08. Review status: criteria provided, single submitter. Criteria: Invitae Variant Classification Sherloc (09022015). Collection method: clinical testing. Allele origin: germline.
Comment: This sequence change replaces asparagine, which is neutral and polar, with serine, which is neutral and polar, at codon 1032 of the ERBIN protein (p.Asn1032Ser). This variant is present in population databases (rs781105951, gnomAD 0.008%). This variant has not been reported in the literature in individuals affected with ERBIN-related conditions. An algorithm developed to predict the effect of missense changes on protein structure and function (PolyPhen-2) suggests that this variant is likely to be disruptive. In summary, the available evidence is currently insufficient to determine the role of this variant in disease. Therefore, it has been classified as a Variant of Uncertain Significance.

NM_001253697.2(ERBIN):c.3095A>G (p.Asn1032Ser)

Gene: ERBIN (erbb2 interacting protein; plus strand). Cytogenetic location: 5q12.3.
Variant type: single nucleotide variant.
Coding change: c.3095A>G on transcript NM_001253697.2 (MANE Select); coding-DNA position 3095, A replaced by G.
Protein change: p.Asn1032Ser; replaces asparagine 1032 with serine.
Molecular consequence: missense variant.
Genome position (GRCh38, 1-based): chr5:66,054,413, A>G. VCF-style: chr5-66054413-A-G. GRCh37 (hg19) VCF-style: chr5-65350241-A-G.
Other names: c.3095A>G, p.Asn1032Ser (NM_001006600.3, NM_001253698.2, NM_001253699.2 and 1 more transcripts); c.3083A>G, p.Asn1028Ser (NM_001253701.2); short protein forms N1032S, N1028S.
Identifiers: ClinVar variation 4696721 (VCV004696721.1).